The following is an entry in ClinVar:

ClinVar aggregate classification (germline): Uncertain significance (1 of 4 stars; one submission).

Conditions:
Autosomal dominant nocturnal frontal lobe epilepsy 5. Also called: CILIARY DYSKINESIA, PRIMARY, 28, WITH SITUS INVERSUS; KCNT1-Related Epilepsy; CILIARY DYSKINESIA, PRIMARY, 28, WITHOUT SITUS INVERSUS; Epilepsy, nocturnal frontal lobe, 5. Identifiers: Orphanet 98784, MedGen C3554306, MONDO:0014002, OMIM 615005.
Developmental and epileptic encephalopathy, 14 (DEE14). Also called: Early infantile epileptic encephalopathy 14. Identifiers: Orphanet 293181, MedGen C3554195, MONDO:0013989, OMIM 614959.

Allele frequency attached by ClinVar (database versions not stated): gnomAD exomes below 0.00001; TOPMed 0.00001.
gnomAD v4.1: 1 of 1,612,040 alleles (0.000062%); highest among the groups gnomAD compares: Non-Finnish European, 0.000085%; no homozygotes.

Submission:

Labcorp Genetics (formerly Invitae), Labcorp
Classification: Uncertain significance for Autosomal dominant nocturnal frontal lobe epilepsy 5; Developmental and epileptic encephalopathy, 14. Last evaluated: 2021-10-21. Review status: criteria provided, single submitter. Criteria: Invitae Variant Classification Sherloc (09022015). Collection method: clinical testing. Allele origin: germline.
Comment: This variant has not been reported in the literature in individuals affected with KCNT1-related conditions. In summary, the available evidence is currently insufficient to determine the role of this variant in disease. Therefore, it has been classified as a Variant of Uncertain Significance. Algorithms developed to predict the effect of sequence changes on RNA splicing suggest that this variant may create or strengthen a splice site. Advanced modeling of protein sequence and biophysical properties (such as structural, functional, and spatial information, amino acid conservation, physicochemical variation, residue mobility, and thermodynamic stability) performed at Invitae indicates that this missense variant is expected to disrupt KCNT1 protein function. This variant is not present in population databases (ExAC no frequency). This sequence change replaces leucine with glutamine at codon 234 of the KCNT1 protein (p.Leu234Gln). The leucine residue is moderately conserved and there is a moderate physicochemical difference between leucine and glutamine.

NM_020822.3(KCNT1):c.701T>A (p.Leu234Gln)

Gene: KCNT1 (potassium sodium-activated channel subfamily T member 1; plus strand). Cytogenetic location: 9q34.3.
Variant type: single nucleotide variant.
Coding change: c.701T>A on transcript NM_020822.3 (MANE Select); coding-DNA position 701, T replaced by A.
Protein change: p.Leu234Gln; replaces leucine 234 with glutamine.
Molecular consequence: missense variant.
Genome position (GRCh38, 1-based): chr9:135,757,323, T>A. VCF-style: chr9-135757323-T-A. GRCh37 (hg19) VCF-style: chr9-138649169-T-A.
Other names: c.557T>A, p.Leu186Gln (NM_001272003.2); short protein forms L234Q, L186Q.
Identifiers: ClinVar variation 1388389 (VCV001388389.6), dbSNP rs201583448, ClinGen allele CA201459960.
Genomic context (GRCh38, chr9:135,757,323, plus strand): 5'-CCTGGAGCCCCAGCCCTGACCTGTCCCCTTCACAGATCTTCTGGCCGCCGCTGCGGAACC[T>A]GTTCATCCCCGTCTTTCTGAACTGCTGGCTGGCCAAGCACGCGCTGGAAAACATGATTGT-3'
Protein context (NP_065873.2, residues 224-244): ITIFWPPLRN[Leu234Gln]FIPVFLNCWL